The following is an entry in ClinVar:

ClinVar aggregate classification (germline): Likely pathogenic (1 of 4 stars; one submission).

Conditions:
Joubert syndrome and related disorders. Identifiers: Orphanet 140874, MedGen C5679612, MONDO:0015369.

Submission:

Women's Health and Genetics/Laboratory Corporation of America, LabCorp
Classification: Likely pathogenic for Joubert syndrome and related disorders. Last evaluated: 2023-03-22. Review status: criteria provided, single submitter. Criteria: LabCorp Variant Classification Summary - May 2015. Collection method: clinical testing. Allele origin: germline.
Comment: Variant summary: RPGRIP1L c.650C>A (p.Ser217X) results in a premature termination codon, predicted to cause a truncation of the encoded protein or absence of the protein due to nonsense mediated decay, which are commonly known mechanisms for disease. Truncations downstream of this position have been classified as pathogenic in ClinVar and associated with Joubert syndrome in HGMD. The variant was absent in 251010 control chromosomes. To our knowledge, no occurrence of c.650C>A in individuals affected with Joubert Syndrome And Related Disorders and no experimental evidence demonstrating its impact on protein function have been reported. No clinical diagnostic laboratories have submitted clinical-significance assessments for this variant to ClinVar after 2014. Based on the evidence outlined above, the variant was classified as likely pathogenic.

NM_015272.5(RPGRIP1L):c.650C>A (p.Ser217Ter)

Gene: RPGRIP1L (RPGRIP1 like; minus strand). Cytogenetic location: 16q12.2.
Variant type: single nucleotide variant.
Coding change: c.650C>A on transcript NM_015272.5 (MANE Select); coding-DNA position 650, C replaced by A.
Protein change: p.Ser217Ter; replaces serine 217 with a stop codon.
Molecular consequence: nonsense.
Genome position (GRCh38, 1-based): chr16:53,686,559, G>T on the plus strand (C>A on the coding strand, the complement: RPGRIP1L is on the minus strand). VCF-style: chr16-53686559-G-T. GRCh37 (hg19) VCF-style: chr16-53720471-G-T.
Other names: c.650C>A, p.Ser217Ter (NM_001127897.4, NM_001308334.3, NM_001330538.2); short protein forms S217*.
Identifiers: ClinVar variation 2501212 (VCV002501212.1), dbSNP rs2544640834, ClinGen allele CA395924311.
Genomic context (GRCh38, chr16:53,686,559, plus strand): 5'-CTCAACTGAGTTTTCAGGATCTCAGCCAAGTGCTCTAACTCCTCTATCTGGCCTCTTTGT[G>T]ACTGAATAACGTTTTCTCTGAAATAAAGAGCCTCTGTAAGAACTTGTAGTTTGAGGAAAA-3'